The following is an entry in ClinVar:

NM_001135254.2(PAX7):c.1395C>T (p.Tyr465=)

Gene: PAX7 (paired box 7; plus strand). Cytogenetic location: 1p36.13.
Variant type: single nucleotide variant.
Coding change: c.1395C>T on transcript NM_001135254.2 (MANE Select); coding-DNA position 1395, C replaced by T.
Protein change: p.Tyr465=; no amino-acid change (tyrosine 465 retained).
Molecular consequence: synonymous variant.
Genome position (GRCh38, 1-based): chr1:18,735,871, C>T. VCF-style: chr1-18735871-C-T. GRCh37 (hg19) VCF-style: chr1-19062365-C-T.
Other names: p.Tyr465=; c.1395C>T, p.Tyr465= (NM_002584.3); c.1389C>T, p.Tyr463= (NM_013945.3).
Identifiers: ClinVar variation 3049706 (VCV003049706.3), dbSNP rs143552197, ClinGen allele CA645952.
Genomic context (GRCh38, chr1:18,735,871, plus strand): 5'-CACCTACAGCACCACCGGCTACAGCGTGGACCCCGTGGCCGGCTATCAGTACGGCCAGTA[C>T]GGCCAGAGTGAGTGCCTGGTGCCCTGGGCGTCCCCCGTCCCCATTCCTTCTCCCACCCCC-3'
Protein context (NP_001128726.1, residues 455-475): DPVAGYQYGQ[Tyr465=]GQTAVDYLAK

ClinVar aggregate classification (germline): Likely benign. Review status: criteria provided, single submitter (1 of 4 stars). 2 submissions from 2 submitters: Likely benign (1). 1 of the submissions does not count toward it. Last evaluated 2025-08-18.

Conditions:
PAX7-related disorder. Also called: PAX7-related condition.

Allele frequency attached by ClinVar (database versions not stated): TOPMed 0.00155; 1000 Genomes Project 0.00140; ESP Exome Variant Server 0.00115; gnomAD 0.00125; 1000 Genomes Project 30x 0.00172.
gnomAD v4.1: 483 of 1,614,108 alleles (0.03%); highest among the groups gnomAD compares: African/African-American, 0.43%; 2 homozygotes.

Submissions (2):

Mayo Clinic Laboratories, Mayo Clinic
Classification: Likely benign. Last evaluated: 2025-08-18. Review status: criteria provided, single submitter. Criteria: ACMG Guidelines, 2015. Collection method: clinical testing. Allele origin: germline. Observed: 1 variant allele.
Comment: BP4, BP7

PreventionGenetics, part of Exact Sciences
Classification: Likely benign for PAX7-related condition. Last evaluated: 2022-07-26. Review status: no assertion criteria provided. Collection method: clinical testing. Allele origin: germline. Not counted in ClinVar's aggregate classification.
Comment: This variant is classified as likely benign based on ACMG/AMP sequence variant interpretation guidelines (Richards et al. 2015 PMID: 25741868, with internal and published modifications).